The following is an entry in ClinVar:

ClinVar aggregate classification (germline): Likely benign. Review status: criteria provided, multiple submitters, no conflicts (2 of 4 stars). 3 submissions from 3 submitters: Likely benign (2). 1 of the submissions does not count toward it. Last evaluated 2025-07-22.

Conditions:
Nephronophthisis. Also called: Juvenile Nephronophthisis. Identifiers: Orphanet 655, MedGen C0687120, MONDO:0019005, HP:0000090.
NPHP4-related disorder. Also called: NPHP4-related disorders; NPHP4-related condition. Identifiers: MedGen CN239384.

Allele frequency attached by ClinVar (database versions not stated): gnomAD exomes 0.00002; ExAC 0.00003; gnomAD 0.00005 and 0.00006; TOPMed 0.00005.
gnomAD v4.1: 68 of 1,582,268 alleles (0.0043%); highest among the groups gnomAD compares: Admixed American, 0.014%; no homozygotes.

Submissions (3):

Labcorp Genetics (formerly Invitae), Labcorp
Classification: Likely benign for Nephronophthisis. Last evaluated: 2025-07-22. Review status: criteria provided, single submitter. Criteria: Invitae Variant Classification Sherloc (09022015). Collection method: clinical testing. Allele origin: germline.

Blueprint Genetics
Classification: Likely benign. Last evaluated: 2023-10-23. Review status: criteria provided, single submitter. Criteria: ACMG Guidelines, 2015. Collection method: clinical testing. Allele origin: germline.

PreventionGenetics, part of Exact Sciences
Classification: Likely benign for NPHP4-related condition. Last evaluated: 2021-12-20. Review status: no assertion criteria provided. Collection method: clinical testing. Allele origin: germline. Not counted in ClinVar's aggregate classification.
Comment: This variant is classified as likely benign based on ACMG/AMP sequence variant interpretation guidelines (Richards et al. 2015 PMID: 25741868, with internal and published modifications).

NM_015102.5(NPHP4):c.1576C>T (p.Leu526=)

Gene: NPHP4 (nephrocystin 4; minus strand). Cytogenetic location: 1p36.31.
Variant type: single nucleotide variant.
Coding change: c.1576C>T on transcript NM_015102.5 (MANE Select); coding-DNA position 1576, C replaced by T.
Protein change: p.Leu526=; no amino-acid change (leucine 526 retained).
Molecular consequence: synonymous variant. On other transcripts: non-coding transcript variant (1), intron variant (2).
Genome position (GRCh38, 1-based): chr1:5,907,150, G>A on the plus strand (C>T on the coding strand, the complement: NPHP4 is on the minus strand). VCF-style: chr1-5907150-G-A. GRCh37 (hg19) VCF-style: chr1-5967210-G-A.
Other names: c.76-1367C>T (NM_001291594.2); c.76-1370C>T (NM_001291593.2); c.1576C>T (NM_015102.4).
Identifiers: ClinVar variation 1593185 (VCV001593185.11), dbSNP rs759553749, ClinGen allele CA554442.